The following is an entry in ClinVar:

ClinVar aggregate classification (germline): Uncertain significance. Review status: criteria provided, single submitter (1 of 4 stars). 2 submissions from 2 submitters: Uncertain significance (1). 1 of the submissions does not count toward it. Last evaluated 2025-02-17.

Conditions:
NF1-related disorder. Also called: NF1-related condition. Identifiers: MedGen CN379171.
Hereditary cancer-predisposing syndrome. Also called: Tumor predisposition; Hereditary Cancer Syndrome; Hereditary neoplastic syndrome; Neoplastic Syndromes, Hereditary. Identifiers: Orphanet 140162, MedGen C0027672, MeSH D009386, MONDO:0015356.
Cardiovascular phenotype. Identifiers: MedGen CN230736.

gnomAD v4.1: 1 of 1,613,106 alleles (0.000062%); highest among the groups gnomAD compares: Non-Finnish European, 0.000085%; no homozygotes.

Submissions (2):

Ambry Genetics
Classification: Uncertain significance for Cardiovascular phenotype; Hereditary cancer-predisposing syndrome. Last evaluated: 2025-02-17. Review status: criteria provided, single submitter. Criteria: Ambry Variant Classification Scheme 2023. Collection method: clinical testing. Allele origin: germline.
Comment: The c.1063-5T>A intronic variant results from a T to A substitution 5 nucleotides upstream from coding exon 10 in the NF1 gene. This nucleotide position is not well conserved in available vertebrate species. In silico splice site analysis for this alteration is inconclusive. Based on the available evidence, the clinical significance of this variant remains unclear.

PreventionGenetics, part of Exact Sciences
Classification: Uncertain significance for NF1-related condition. Last evaluated: 2024-08-15. Review status: no assertion criteria provided. Collection method: clinical testing. Allele origin: germline. Not counted in ClinVar's aggregate classification.
Comment: The NF1 c.1063-5T>A variant is predicted to interfere with splicing. This variant is predicted to alter splicing based on available splicing prediction programs (SpliceAI, Jaganathan et al. 2019. PubMed ID: 30661751). To our knowledge, this variant has not been reported in the literature or in gnomAD, indicating this variant is rare. This variant has not been reported in ClinVar. At this time, the clinical significance of this variant is uncertain due to the absence of conclusive functional and genetic evidence.

NM_001042492.3(NF1):c.1063-5T>A

Gene: NF1 (neurofibromin 1; plus strand). Cytogenetic location: 17q11.2.
Variant type: single nucleotide variant.
Coding change: c.1063-5T>A on transcript NM_001042492.3 (MANE Select); 5 bases into the intron before coding-DNA position 1063, T replaced by A.
Molecular consequence: intron variant.
Genome position (GRCh38, 1-based): chr17:31,201,032, T>A. VCF-style: chr17-31201032-T-A. GRCh37 (hg19) VCF-style: chr17-29528050-T-A.
Other names: c.1063-5T>A (NM_000267.4, NM_001128147.3).
Identifiers: ClinVar variation 3347381 (VCV003347381.2).